The following is an entry in ClinVar:

NM_144631.6(ZNF513):c.283C>G (p.Leu95Val)

Gene: ZNF513 (zinc finger protein 513; minus strand). Cytogenetic location: 2p23.3.
Variant type: single nucleotide variant.
Coding change: c.283C>G on transcript NM_144631.6 (MANE Select); coding-DNA position 283, C replaced by G.
Protein change: p.Leu95Val; replaces leucine 95 with valine.
Molecular consequence: missense variant.
Genome position (GRCh38, 1-based): chr2:27,378,983, G>C on the plus strand (C>G on the coding strand, the complement: ZNF513 is on the minus strand). VCF-style: chr2-27378983-G-C. GRCh37 (hg19) VCF-style: chr2-27601850-G-C.
Other names: c.97C>G, p.Leu33Val (NM_001201459.2); short protein forms L33V, L95V.
Identifiers: ClinVar variation 1348369 (VCV001348369.6), dbSNP rs2148413830, ClinGen allele CA346218690.
Genomic context (GRCh38, chr2:27,378,983, plus strand): 5'-TCTCACCCCTGGCCTCCCCTGGACCCCTGGCTGGCTCCTCAACTTCACTCTCCGCACTTA[G>C]TGCCCGGCCGCCCCCAGACTCATCGTCGCTCAGCCCATAGGGAAGCCCAGGCCTGGCCCC-3'
Protein context (NP_653232.3, residues 85-105): SDDESGGGRA[Leu95Val]SAESEVEEPA

ClinVar aggregate classification (germline): Uncertain significance (1 of 4 stars; one submission).

gnomAD v4.1: 1 of 1,613,074 alleles (0.000062%); highest among the groups gnomAD compares: African/African-American, 0.0013%; no homozygotes.

Submission:

Labcorp Genetics (formerly Invitae), Labcorp
Classification: Uncertain significance. Last evaluated: 2021-09-16. Review status: criteria provided, single submitter. Criteria: Invitae Variant Classification Sherloc (09022015). Collection method: clinical testing. Allele origin: germline.
Comment: This sequence change replaces leucine with valine at codon 95 of the ZNF513 protein (p.Leu95Val). The leucine residue is highly conserved and there is a small physicochemical difference between leucine and valine. In summary, the available evidence is currently insufficient to determine the role of this variant in disease. Therefore, it has been classified as a Variant of Uncertain Significance. Algorithms developed to predict the effect of sequence changes on RNA splicing suggest that this variant may create or strengthen a splice site. Algorithms developed to predict the effect of missense changes on protein structure and function are either unavailable or do not agree on the potential impact of this missense change (SIFT: "Deleterious"; PolyPhen-2: "Benign"; Align-GVGD: "Class C25"). This variant has not been reported in the literature in individuals affected with ZNF513-related conditions. This variant is not present in population databases (ExAC no frequency).